The following is an entry in ClinVar:

ClinVar aggregate classification (germline): Uncertain significance (1 of 4 stars; one submission).

gnomAD v4.1: 2 of 1,612,980 alleles (0.00012%); highest among the groups gnomAD compares: African/African-American, 0.0013%; no homozygotes.

Submission:

Mayo Clinic Laboratories, Mayo Clinic
Classification: Uncertain significance. Last evaluated: 2024-02-21. Review status: criteria provided, single submitter. Criteria: ACMG Guidelines, 2015. Collection method: clinical testing. Allele origin: germline. Observed: 1 variant allele.
Comment: BP4, PM2_moderate

NM_001267550.2(TTN):c.76425T>A (p.His25475Gln)

Genes: TTN (titin; minus strand), TTN-AS1 (TTN antisense RNA 1; plus strand). Cytogenetic location: 2q31.2.
Variant type: single nucleotide variant.
Coding change: c.76425T>A on transcript NM_001267550.2 (MANE Select); coding-DNA position 76425, T replaced by A.
Protein change: p.His25475Gln; replaces histidine 25475 with glutamine.
Molecular consequence: missense variant.
Genome position (GRCh38, 1-based): chr2:178,569,707, A>T on the plus strand (T>A on the coding strand, the complement: TTN is on the minus strand). VCF-style: chr2-178569707-A-T. GRCh37 (hg19) VCF-style: chr2-179434434-A-T.
Other names: p.His22907Gln; c.71502T>A, p.His23834Gln (NM_001256850.1); c.49230T>A, p.His16410Gln (NM_003319.4); c.68721T>A, p.His22907Gln (NM_133378.4); c.49605T>A, p.His16535Gln (NM_133432.3); c.49806T>A, p.His16602Gln (NM_133437.4); short protein forms H16410Q, H16535Q, H16602Q, H22907Q, H23834Q, H25475Q.
Identifiers: ClinVar variation 3380874 (VCV003380874.1).